The following is an entry in ClinVar:

NM_145045.5(ODAD3):c.184G>T (p.Ala62Ser)

Gene: ODAD3 (outer dynein arm docking complex subunit 3; minus strand). Cytogenetic location: 19p13.2.
Variant type: single nucleotide variant.
Coding change: c.184G>T on transcript NM_145045.5 (MANE Select); coding-DNA position 184, G replaced by T.
Protein change: p.Ala62Ser; replaces alanine 62 with serine.
Molecular consequence: missense variant. On other transcripts: intron variant (1).
Genome position (GRCh38, 1-based): chr19:11,434,833, C>A on the plus strand (G>T on the coding strand, the complement: ODAD3 is on the minus strand). VCF-style: chr19-11434833-C-A. GRCh37 (hg19) VCF-style: chr19-11545654-C-A.
Other names: c.184G>T, p.Ala62Ser (NM_001302454.2); c.82+857G>T (NM_001302453.1); short protein forms A62S.
Identifiers: ClinVar variation 406820 (VCV000406820.7), dbSNP rs996181868, ClinGen allele CA16616206.

ClinVar aggregate classification (germline): Uncertain significance (1 of 4 stars; one submission).

Conditions:
Primary ciliary dyskinesia 30. Also called: CILIARY DYSKINESIA, PRIMARY, 30, WITH OR WITHOUT SITUS INVERSUS. Identifiers: Orphanet 244, MedGen C4015016, MONDO:0014465, OMIM 616037.

Allele frequency attached by ClinVar (database versions not stated): TOPMed 0.00001; gnomAD exomes 0.00002.
gnomAD v4.1: 5 of 1,614,202 alleles (0.00031%); highest among the groups gnomAD compares: Admixed American, 0.0067%; no homozygotes.

Submission:

Labcorp Genetics (formerly Invitae), Labcorp
Classification: Uncertain significance for Primary ciliary dyskinesia 30. Last evaluated: 2022-07-05. Review status: criteria provided, single submitter. Criteria: Invitae Variant Classification Sherloc (09022015). Collection method: clinical testing. Allele origin: germline.
Comment: This sequence change replaces alanine, which is neutral and non-polar, with serine, which is neutral and polar, at codon 62 of the CCDC151 protein (p.Ala62Ser). This variant is present in population databases (no rsID available, gnomAD 0.009%). This variant has not been reported in the literature in individuals affected with CCDC151-related conditions. ClinVar contains an entry for this variant (Variation ID: 406820). Algorithms developed to predict the effect of missense changes on protein structure and function (SIFT, PolyPhen-2, Align-GVGD) all suggest that this variant is likely to be tolerated. In summary, the available evidence is currently insufficient to determine the role of this variant in disease. Therefore, it has been classified as a Variant of Uncertain Significance.